The following is an entry in ClinVar:

NM_004924.6(ACTN4):c.1164G>A (p.Gln388=)

Gene: ACTN4 (actinin alpha 4; plus strand). Cytogenetic location: 19q13.2.
Variant type: single nucleotide variant.
Coding change: c.1164G>A on transcript NM_004924.6 (MANE Select); coding-DNA position 1164, G replaced by A.
Protein change: p.Gln388=; no amino-acid change (glutamine 388 retained).
Molecular consequence: synonymous variant.
Genome position (GRCh38, 1-based): chr19:38,717,947, G>A. VCF-style: chr19-38717947-G-A. GRCh37 (hg19) VCF-style: chr19-39208587-G-A.
Other names: c.1164G>A, p.Gln388= (NM_001322033.2, NM_001411143.1).
Identifiers: ClinVar variation 3050721 (VCV003050721.2), dbSNP rs1202115540, ClinGen allele CA507247853.

ClinVar aggregate classification (germline): Likely benign (0 of 4 stars; one submission).

Conditions:
ACTN4-related disorder. Also called: ACTN4-related condition.

Allele frequency attached by ClinVar (database versions not stated): gnomAD exomes below 0.00001; TOPMed below 0.00001.
gnomAD v4.1: 2 of 1,604,492 alleles (0.00012%); highest among the groups gnomAD compares: Middle Eastern, 0.017%; no homozygotes.

Submission:

PreventionGenetics, part of Exact Sciences
Classification: Likely benign for ACTN4-related condition. Last evaluated: 2023-02-07. Review status: no assertion criteria provided. Collection method: clinical testing. Allele origin: germline.
Comment: This variant is classified as likely benign based on ACMG/AMP sequence variant interpretation guidelines (Richards et al. 2015 PMID: 25741868, with internal and published modifications).